The following is an entry in ClinVar:

NM_001042492.3(NF1):c.789dup (p.Ala264fs)

Gene: NF1 (neurofibromin 1; plus strand). Cytogenetic location: 17q11.2.
Variant type: Duplication.
Coding change: c.789dup on transcript NM_001042492.3 (MANE Select); coding-DNA position 789, one base duplicated (A; older notation c.789dupA).
Protein change: p.Ala264fs; shifts the reading frame from alanine 264.
Molecular consequence: frameshift variant.
Genome position (GRCh38, 1-based): chr17:31,182,566, A duplicated; the last of 3 consecutive A bases (chr17:31,182,564-31,182,566); duplicating any one gives the same sequence. VCF-style (leftmost placement, unchanged base first): chr17-31182563-T-TA. GRCh37 (hg19) VCF-style: chr17-29509581-T-TA.
Other names: c.789dupA (NM_000267.3); c.789dup, p.Ala264Serfs (NM_000267.4); c.789dup, p.Ala264fs (NM_001128147.3); short protein forms A264fs.
Identifiers: ClinVar variation 1761091 (VCV001761091.3), dbSNP rs1135402795, ClinGen allele CA923726131.

ClinVar aggregate classification (germline): Pathogenic. Review status: criteria provided, multiple submitters, no conflicts (2 of 4 stars). 2 submissions from 2 submitters: Pathogenic (2). Last evaluated 2022-03-09.

Conditions:
Neurofibromatosis, type 1 (NF1). Also called: Peripheral type neurofibromatosis; VON RECKLINGHAUSEN DISEASE; NEUROFIBROMATOSIS, TYPE I, SOMATIC; Neurofibromatosis, type I. Identifiers: Orphanet 636, MedGen C0027831, MONDO:0018975, OMIM 162200. Disease mechanism: loss of function.
Cardiovascular phenotype. Identifiers: MedGen CN230736.
Hereditary cancer-predisposing syndrome. Also called: Neoplastic Syndromes, Hereditary; Tumor predisposition; Hereditary neoplastic syndrome; Hereditary Cancer Syndrome. Identifiers: Orphanet 140162, MedGen C0027672, MeSH D009386, MONDO:0015356.

Submissions (2):

Ambry Genetics
Classification: Pathogenic for Cardiovascular phenotype; Hereditary cancer-predisposing syndrome. Last evaluated: 2022-03-09. Review status: criteria provided, single submitter. Criteria: Ambry Variant Classification Scheme 2023. Collection method: clinical testing. Allele origin: germline.
Comment: The c.789dupA pathogenic mutation, located in coding exon 8 of the NF1 gene, results from a duplication of A at nucleotide position 789, causing a translational frameshift with a predicted alternate stop codon (p.A264Sfs*27). This variant is considered to be rare based on population cohorts in the Genome Aggregation Database (gnomAD). This alteration is expected to result in loss of function by premature protein truncation or nonsense-mediated mRNA decay. As such, this alteration is interpreted as a disease-causing mutation.

Victorian Clinical Genetics Services, Murdoch Childrens Research Institute
Classification: Pathogenic for Neurofibromatosis, type 1. Last evaluated: 2020-05-25. Review status: criteria provided, single submitter. Criteria: ACMG Guidelines, 2015. Collection method: clinical testing. Allele origin: germline. Inheritance: Autosomal dominant inheritance.
Comment: Based on the classification scheme VCGS_Germline_v1.1.1, this variant is classified as Pathogenic. Following criteria are met: 0102 - Loss-of-function is a known mechanism of disease for this gene. (N) 0107 - This gene is known to be associated with autosomal dominant disease. (N) 0201 - Variant is predicted to cause nonsense-mediated decay (NMD) and loss of protein (exon 8 of 57). (P) 0251 - Variant is heterozygous. (N) 0301 - Variant is absent from gnomAD. (P) 0701 - Comparable NMD-predicted variants have very strong previous evidence for pathogenicity (ClinVar). (P) 0807 - Variant has not previously been reported in a clinical context. (N) 0905 - No segregation evidence has been identified for this variant. (N) 1007 - No published functional evidence has been identified for this variant. (N) 1208 - Inheritance information for this variant is not currently available. (N) Legend: (P) - Pathogenic, (N) - Neutral, (B) - Benign